The following is an entry in ClinVar:

ClinVar aggregate classification (germline): Uncertain significance. Review status: criteria provided, single submitter (1 of 4 stars). 2 submissions from 2 submitters: Uncertain significance (1). 1 of the submissions does not count toward it. Last evaluated 2022-07-23.

Conditions:
Peroxisome biogenesis disorder. Identifiers: Orphanet 79189, MedGen C1832200, MONDO:0019234. Disease mechanism: loss of function.
PEX6-related disorder. Also called: PEX6-related condition; PEX6-related disorders.

Allele frequency attached by ClinVar (database versions not stated): gnomAD exomes 0.00001; TOPMed 0.00001.
gnomAD v4.1: 4 of 1,560,710 alleles (0.00026%); highest among the groups gnomAD compares: Admixed American, 0.0057%; no homozygotes.

Submissions (2):

Labcorp Genetics (formerly Invitae), Labcorp
Classification: Uncertain significance for Peroxisome biogenesis disorder. Last evaluated: 2022-07-23. Review status: criteria provided, single submitter. Criteria: Invitae Variant Classification Sherloc (09022015). Collection method: clinical testing. Allele origin: germline.
Comment: This sequence change replaces leucine, which is neutral and non-polar, with phenylalanine, which is neutral and non-polar, at codon 160 of the PEX6 protein (p.Leu160Phe). This variant is present in population databases (no rsID available, gnomAD 0.004%). This variant has not been reported in the literature in individuals affected with PEX6-related conditions. ClinVar contains an entry for this variant (Variation ID: 1400915). Algorithms developed to predict the effect of missense changes on protein structure and function are either unavailable or do not agree on the potential impact of this missense change (SIFT: "Tolerated"; PolyPhen-2: "Probably Damaging"; Align-GVGD: "Class C0"). In summary, the available evidence is currently insufficient to determine the role of this variant in disease. Therefore, it has been classified as a Variant of Uncertain Significance.

PreventionGenetics, part of Exact Sciences
Classification: Uncertain significance for PEX6-related condition. Last evaluated: 2024-02-12. Review status: no assertion criteria provided. Collection method: clinical testing. Allele origin: germline. Not counted in ClinVar's aggregate classification.
Comment: The PEX6 c.478C>T variant is predicted to result in the amino acid substitution p.Leu160Phe. To our knowledge, this variant has not been reported in the literature. This variant is reported in 0.0077% of alleles in individuals of Latino descent in gnomAD. At this time, the clinical significance of this variant is uncertain due to the absence of conclusive functional and genetic evidence.

NM_000287.4(PEX6):c.478C>T (p.Leu160Phe)

Gene: PEX6 (peroxisomal biogenesis factor 6; minus strand). Cytogenetic location: 6p21.1.
Variant type: single nucleotide variant.
Coding change: c.478C>T on transcript NM_000287.4 (MANE Select); coding-DNA position 478, C replaced by T.
Protein change: p.Leu160Phe; replaces leucine 160 with phenylalanine.
Molecular consequence: missense variant. On other transcripts: non-coding transcript variant (1).
Genome position (GRCh38, 1-based): chr6:42,978,673, G>A on the plus strand (C>T on the coding strand, the complement: PEX6 is on the minus strand). VCF-style: chr6-42978673-G-A. GRCh37 (hg19) VCF-style: chr6-42946411-G-A.
Other names: c.478C>T (NM_000287.3); c.478C>T, p.Leu160Phe (NM_001316313.2); short protein forms L160F.
Identifiers: ClinVar variation 1400915 (VCV001400915.5), dbSNP rs1336576924, ClinGen allele CA364165040.